The following is an entry in ClinVar:

ClinVar aggregate classification (germline): Uncertain significance (1 of 4 stars; one submission).

Conditions:
Aicardi-Goutieres syndrome 7 (AGS7). Identifiers: Orphanet 51, MedGen C3888244, MONDO:0014367, OMIM 615846.
Singleton-Merten syndrome 1 (SGMRT1). Also called: Widened medullary cavities of bone, aortic calcification, abnormal dentition, and muscular weakness; Syndrome of widened medullary cavities of the metacarpals and phalanges, aortic calcification and abnormal dentition. Identifiers: Orphanet 85191, MedGen C4225427, MONDO:0024535, OMIM 182250.

gnomAD v4.1: 24 of 1,611,384 alleles (0.0015%); highest among the groups gnomAD compares: African/African-American, 0.0067%; no homozygotes.

Submission:

Labcorp Genetics (formerly Invitae), Labcorp
Classification: Uncertain significance for Aicardi-Goutieres syndrome 7; Singleton-Merten syndrome 1. Last evaluated: 2025-10-27. Review status: criteria provided, single submitter. Criteria: Invitae Variant Classification Sherloc (09022015). Collection method: clinical testing. Allele origin: germline.
Comment: This sequence change replaces aspartic acid, which is acidic and polar, with glycine, which is neutral and non-polar, at codon 136 of the IFIH1 protein (p.Asp136Gly). The frequency data for this variant in the population databases is considered unreliable, as metrics indicate poor data quality at this position in the gnomAD database. This variant has not been reported in the literature in individuals affected with IFIH1-related conditions. Invitae Evidence Modeling of protein sequence and biophysical properties (such as structural, functional, and spatial information, amino acid conservation, physicochemical variation, residue mobility, and thermodynamic stability) has been performed for this missense variant. However, the output from this modeling did not meet the statistical confidence thresholds required to predict the impact of this variant on IFIH1 protein function. Algorithms developed to predict the effect of sequence changes on RNA splicing suggest that this variant may disrupt the consensus splice site. In summary, the available evidence is currently insufficient to determine the role of this variant in disease. Therefore, it has been classified as a Variant of Uncertain Significance.

NM_022168.4(IFIH1):c.407A>G (p.Asp136Gly)

Gene: IFIH1 (interferon induced with helicase C domain 1; minus strand). Cytogenetic location: 2q24.2.
Variant type: single nucleotide variant.
Coding change: c.407A>G on transcript NM_022168.4 (MANE Select); coding-DNA position 407, A replaced by G.
Protein change: p.Asp136Gly; replaces aspartic acid 136 with glycine.
Molecular consequence: missense variant.
Genome position (GRCh38, 1-based): chr2:162,317,901, T>C on the plus strand (A>G on the coding strand, the complement: IFIH1 is on the minus strand). VCF-style: chr2-162317901-T-C. GRCh37 (hg19) VCF-style: chr2-163174411-T-C.
Other names: short protein forms D136G.
Identifiers: ClinVar variation 4794515 (VCV004794515.1).
Genomic context (GRCh38, chr2:162,317,901, plus strand): 5'-GAACAGACACCTACCCGGTTTCTGTCTTCAATTGTCAACAGTTCCTCCTCCATGCACTTA[T>C]CCAAGACGTCTCTAACTAGAAGCTTGTCCACCAGAGTGGGCTGAAGGAGGTTCAGCAGTT-3'
Protein context (NP_071451.2, residues 126-146): VDKLLVRDVL[Asp136Gly]KCMEEELLTI